The following is an entry in ClinVar:

NM_032043.3(BRIP1):c.3622G>T (p.Asp1208Tyr)

Gene: BRIP1 (BRCA1 interacting DNA helicase 1; minus strand). Cytogenetic location: 17q23.2.
Variant type: single nucleotide variant.
Coding change: c.3622G>T on transcript NM_032043.3 (MANE Select); coding-DNA position 3622, G replaced by T.
Protein change: p.Asp1208Tyr; replaces aspartic acid 1208 with tyrosine.
Molecular consequence: missense variant.
Genome position (GRCh38, 1-based): chr17:61,683,424, C>A on the plus strand (G>T on the coding strand, the complement: BRIP1 is on the minus strand). VCF-style: chr17-61683424-C-A. GRCh37 (hg19) VCF-style: chr17-59760785-C-A.
Other names: short protein forms D1208Y.
Identifiers: ClinVar variation 1733339 (VCV001733339.2), dbSNP rs760589795, ClinGen allele CA400477992.

ClinVar aggregate classification (germline): Uncertain significance (1 of 4 stars; one submission).

Conditions:
Hereditary cancer-predisposing syndrome. Also called: Neoplastic Syndromes, Hereditary; Tumor predisposition; Hereditary Cancer Syndrome; Hereditary neoplastic syndrome. Identifiers: Orphanet 140162, MedGen C0027672, MeSH D009386, MONDO:0015356.

Submission:

Ambry Genetics
Classification: Uncertain significance for Hereditary cancer-predisposing syndrome. Last evaluated: 2021-12-11. Review status: criteria provided, single submitter. Criteria: Ambry Variant Classification Scheme 2023. Collection method: clinical testing. Allele origin: germline.
Comment: The p.D1208Y variant (also known as c.3622G>T), located in coding exon 19 of the BRIP1 gene, results from a G to T substitution at nucleotide position 3622. The aspartic acid at codon 1208 is replaced by tyrosine, an amino acid with highly dissimilar properties. This amino acid position is conserved. In addition, this alteration is predicted to be tolerated by in silico analysis. Since supporting evidence is limited at this time, the clinical significance of this alteration remains unclear.